The following is an entry in ClinVar:

NM_001321075.3(DLG4):c.2000A>G (p.Glu667Gly)

Gene: DLG4 (discs large MAGUK scaffold protein 4; minus strand). Cytogenetic location: 17p13.1.
Variant type: single nucleotide variant.
Coding change: c.2000A>G on transcript NM_001321075.3 (MANE Select); coding-DNA position 2000, A replaced by G.
Protein change: p.Glu667Gly; replaces glutamic acid 667 with glycine.
Molecular consequence: missense variant. On other transcripts: non-coding transcript variant (1).
Genome position (GRCh38, 1-based): chr17:7,191,335, T>C on the plus strand (A>G on the coding strand, the complement: DLG4 is on the minus strand). VCF-style: chr17-7191335-T-C. GRCh37 (hg19) VCF-style: chr17-7094654-T-C.
Other names: c.1991A>G, p.Glu664Gly (NM_001128827.4); c.2120A>G, p.Glu707Gly (NM_001321074.1); c.1820A>G, p.Glu607Gly (NM_001321076.3, NM_001321077.3); c.2129A>G, p.Glu710Gly (NM_001365.5); c.1919A>G, p.Glu640Gly (NM_001369566.3); short protein forms E607G, E640G, E664G, E667G, E707G, E710G.
Identifiers: ClinVar variation 2576717 (VCV002576717.1), dbSNP rs2507904985, ClinGen allele CA397714262.

ClinVar aggregate classification (germline): Uncertain significance (1 of 4 stars; one submission).

Submission:

GeneDx
Classification: Uncertain significance. Last evaluated: 2023-02-17. Review status: criteria provided, single submitter. Criteria: GeneDx Variant Classification Process June 2021. Collection method: clinical testing. Allele origin: germline. Affected: yes.
Comment: Not observed at significant frequency in large population cohorts (gnomAD); In silico analysis supports that this missense variant has a deleterious effect on protein structure/function; Has not been previously published as pathogenic or benign to our knowledge